The following is an entry in ClinVar:

NM_144572.2(TBC1D2B):c.244T>C (p.Leu82=)

Gene: TBC1D2B (TBC1 domain family member 2B; minus strand). Cytogenetic location: 15q25.1.
Variant type: single nucleotide variant.
Coding change: c.244T>C on transcript NM_144572.2 (MANE Select); coding-DNA position 244, T replaced by C.
Protein change: p.Leu82=; no amino-acid change (leucine 82 retained).
Molecular consequence: synonymous variant.
Genome position (GRCh38, 1-based): chr15:78,077,409, A>G on the plus strand (T>C on the coding strand, the complement: TBC1D2B is on the minus strand). VCF-style: chr15-78077409-A-G. GRCh37 (hg19) VCF-style: chr15-78369751-A-G.
Other names: c.244T>C, p.Leu82= (NM_001387142.1, NM_001387143.1, NM_001387144.1 and 1 more transcripts).
Identifiers: ClinVar variation 3025190 (VCV003025190.22), dbSNP rs2548796884, ClinGen allele CA491508585.

ClinVar aggregate classification (germline): Likely benign (1 of 4 stars; one submission).

Submission:

CeGaT Center for Human Genetics Tuebingen
Classification: Likely benign. Last evaluated: 2024-02-01. Review status: criteria provided, single submitter. Criteria: CeGaT Center For Human Genetics Tuebingen Variant Classification Criteria Version 2. Collection method: clinical testing. Allele origin: germline. Affected: yes. Observed: 1 variant allele.
Comment: TBC1D2B: BP4, BP7